The following is an entry in ClinVar:

ClinVar aggregate classification (germline): Uncertain significance. Review status: criteria provided, multiple submitters, no conflicts (2 of 4 stars). 5 submissions from 3 submitters: Uncertain significance (5). Last evaluated 2026-06-25.

Conditions:
Usher syndrome type 1 (USH1). Also called: RETINITIS PIGMENTOSA AND CONGENITAL DEAFNESS. Identifiers: Orphanet 231169, Orphanet 886, MedGen C1568247, MONDO:0010168, OMIM 276900.
Autosomal dominant nonsyndromic hearing loss 11. Identifiers: Orphanet 90635, MedGen C1832475, MONDO:0011032, OMIM 601317.
Autosomal recessive nonsyndromic hearing loss 2. Also called: DEAFNESS, AUTOSOMAL RECESSIVE 2; NEUROSENSORY NONSYNDROMIC RECESSIVE DEAFNESS 2. Identifiers: Orphanet 90636, MedGen C1838701, MONDO:0010807, OMIM 600060.

gnomAD v4.1: 3 of 1,590,400 alleles (0.00019%); highest among the groups gnomAD compares: East Asian, 0.0023%; no homozygotes.

Submissions (5):

Myriad Genetics, Inc.
Classification: Uncertain significance for Usher syndrome type 1. Last evaluated: 2026-06-25. Review status: criteria provided, single submitter. Criteria: Myriad Autosomal Dominant, Autosomal Recessive and X-Linked Classification Criteria (2023). Collection method: clinical testing. Allele origin: unknown.
Comment: NM_000260.3(MYO7A):c.1942G>A(D648N) is a missense variant classified as a variant of uncertain significance in the context of MYO7A-related disorders. D648N has been observed in cases with relevant disease (PMID: 39640791). Relevant functional assessments of this variant are not available in the literature. D648N has not been observed in referenced population frequency databases. In summary, there is insufficient evidence to classify NM_000260.3(MYO7A):c.1942G>A(D648N) as pathogenic or benign. Please note: this variant was assessed in the context of healthy population screening.

Labcorp Genetics (formerly Invitae), Labcorp
Classification: Uncertain significance. Last evaluated: 2022-06-27. Review status: criteria provided, single submitter. Criteria: Invitae Variant Classification Sherloc (09022015). Collection method: clinical testing. Allele origin: germline.
Comment: This sequence change replaces aspartic acid, which is acidic and polar, with asparagine, which is neutral and polar, at codon 648 of the MYO7A protein (p.Asp648Asn). This variant is not present in population databases (gnomAD no frequency). This variant has not been reported in the literature in individuals affected with MYO7A-related conditions. ClinVar contains an entry for this variant (Variation ID: 882708). Advanced modeling of protein sequence and biophysical properties (such as structural, functional, and spatial information, amino acid conservation, physicochemical variation, residue mobility, and thermodynamic stability) performed at Invitae indicates that this missense variant is expected to disrupt MYO7A protein function. In summary, the available evidence is currently insufficient to determine the role of this variant in disease. Therefore, it has been classified as a Variant of Uncertain Significance.

Illumina Laboratory Services, Illumina
Classification: Uncertain significance for Usher syndrome type 1. Last evaluated: 2018-01-13. Review status: criteria provided, single submitter. Criteria: ICSL Variant Classification Criteria 13 December 2019. Collection method: clinical testing. Allele origin: germline.

Illumina Laboratory Services, Illumina
Classification: Uncertain significance for Autosomal recessive nonsyndromic hearing loss 2. Last evaluated: 2018-01-13. Review status: criteria provided, single submitter. Criteria: ICSL Variant Classification Criteria 13 December 2019. Collection method: clinical testing. Allele origin: germline.

Illumina Laboratory Services, Illumina
Classification: Uncertain significance for Autosomal dominant nonsyndromic hearing loss 11. Last evaluated: 2018-01-13. Review status: criteria provided, single submitter. Criteria: ICSL Variant Classification Criteria 13 December 2019. Collection method: clinical testing. Allele origin: germline.

Literature cited by the submitters: PubMed 39640791 (cited by Myriad Genetics, Inc.).

NM_000260.4(MYO7A):c.1942G>A (p.Asp648Asn)

Gene: MYO7A (myosin VIIA; plus strand). Cytogenetic location: 11q13.5.
Variant type: single nucleotide variant.
Coding change: c.1942G>A on transcript NM_000260.4 (MANE Select); coding-DNA position 1942, G replaced by A.
Protein change: p.Asp648Asn; replaces aspartic acid 648 with asparagine.
Molecular consequence: missense variant.
Genome position (GRCh38, 1-based): chr11:77,174,762, G>A. VCF-style: chr11-77174762-G-A. GRCh37 (hg19) VCF-style: chr11-76885808-G-A.
Other names: c.1942G>A, p.Asp648Asn (NM_001127180.2); c.1909G>A, p.Asp637Asn (NM_001369365.1); short protein forms D637N, D648N.
Identifiers: ClinVar variation 882708 (VCV000882708.6), dbSNP rs1555078826, ClinGen allele CA381939095.